The following is an entry in ClinVar:

NM_000552.5(VWF):c.6248G>A (p.Gly2083Asp)

Gene: VWF (von Willebrand factor; minus strand). Cytogenetic location: 12p13.31.
Variant type: single nucleotide variant.
Coding change: c.6248G>A on transcript NM_000552.5 (MANE Select); coding-DNA position 6248, G replaced by A.
Protein change: p.Gly2083Asp; replaces glycine 2083 with aspartic acid.
Molecular consequence: missense variant.
Genome position (GRCh38, 1-based): chr12:5,994,423, C>T on the plus strand (G>A on the coding strand, the complement: VWF is on the minus strand). VCF-style: chr12-5994423-C-T. GRCh37 (hg19) VCF-style: chr12-6103589-C-T.
Other names: short protein forms G2083D.
Identifiers: ClinVar variation 2682123 (VCV002682123.1), dbSNP rs2497455739, ClinGen allele CA383492072.
Genomic context (GRCh38, chr12:5,994,423, plus strand): 5'-GGTTTATAAATGTATAGCAGGGGGAGAAGAGGAGTTGAGAAAATGTTCTTACCACACAGA[C>T]CATACGTCTTTGAAGCAAAAGTCTTGGGGCTGAGCTGCAGTTGGAACTCATTGTTTTGTG-3'
Protein context (NP_000543.3, residues 2073-2093): SPKTFASKTY[Gly2083Asp]LCGICDENGA

ClinVar aggregate classification (germline): Uncertain significance (1 of 4 stars; one submission).

Submission:

Quest Diagnostics Nichols Institute San Juan Capistrano
Classification: Uncertain significance. Last evaluated: 2022-12-07. Review status: criteria provided, single submitter. Criteria: Quest Diagnostics criteria. Collection method: clinical testing. Allele origin: unknown.
Comment: This variant has not been reported in large, multi-ethnic general populations. In the published literature, the variant has been reported in individuals with von Willebrand disease (VWD) type 1 (PMID: 28971901 (2017)). Analysis of this variant using bioinformatics tools for the prediction of the effect of amino acid changes on protein structure and function yielded predictions that this variant is damaging. Based on the available information, we are unable to determine the clinical significance of this variant.

Literature cited by the submitters: PubMed 28971901.